The following is an entry in ClinVar:

ClinVar aggregate classification (germline): Uncertain significance. Review status: criteria provided, multiple submitters, no conflicts (2 of 4 stars). 2 submissions from 2 submitters: Uncertain significance (2). Last evaluated 2023-07-31.

Conditions:
Fanconi anemia (FA). Also called: Fanconi's anemia. Identifiers: Orphanet 84, MedGen C0015625, MeSH D005199, MONDO:0019391.
Hereditary cancer-predisposing syndrome. Also called: Neoplastic Syndromes, Hereditary; Tumor predisposition; Hereditary neoplastic syndrome; Hereditary Cancer Syndrome. Identifiers: Orphanet 140162, MedGen C0027672, MeSH D009386, MONDO:0015356.

Submissions (2):

Labcorp Genetics (formerly Invitae), Labcorp
Classification: Uncertain significance for Fanconi anemia. Last evaluated: 2023-07-31. Review status: criteria provided, single submitter. Criteria: Invitae Variant Classification Sherloc (09022015). Collection method: clinical testing. Allele origin: germline.
Comment: This variant is not present in population databases (gnomAD no frequency). In summary, the available evidence is currently insufficient to determine the role of this variant in disease. Therefore, it has been classified as a Variant of Uncertain Significance. An algorithm developed to predict the effect of missense changes on protein structure and function (PolyPhen-2) suggests that this variant is likely to be disruptive. ClinVar contains an entry for this variant (Variation ID: 2450939). This variant has not been reported in the literature in individuals affected with FANCC-related conditions. This sequence change replaces aspartic acid, which is acidic and polar, with tyrosine, which is neutral and polar, at codon 56 of the FANCC protein (p.Asp56Tyr).

Ambry Genetics
Classification: Uncertain significance for Hereditary cancer-predisposing syndrome. Last evaluated: 2023-02-04. Review status: criteria provided, single submitter. Criteria: Ambry Variant Classification Scheme 2023. Collection method: clinical testing. Allele origin: germline.
Comment: The p.D56Y variant (also known as c.166G>T) is located in coding exon 2 of the FANCC gene. The aspartic acid at codon 56 is replaced by tyrosine, an amino acid with highly dissimilar properties. This change occurs in the first base pair of coding exon 2. This amino acid position is conserved. In addition, this alteration is predicted to be tolerated by in silico analysis. Since supporting evidence is limited at this time, the clinical significance of this alteration remains unclear.

NM_000136.3(FANCC):c.166G>T (p.Asp56Tyr)

Gene: FANCC (FA complementation group C; minus strand). Cytogenetic location: 9q22.32.
Variant type: single nucleotide variant.
Coding change: c.166G>T on transcript NM_000136.3 (MANE Select); coding-DNA position 166, G replaced by T.
Protein change: p.Asp56Tyr; replaces aspartic acid 56 with tyrosine.
Molecular consequence: missense variant.
Genome position (GRCh38, 1-based): chr9:95,247,516, C>A on the plus strand (G>T on the coding strand, the complement: FANCC is on the minus strand). VCF-style: chr9-95247516-C-A. GRCh37 (hg19) VCF-style: chr9-98009798-C-A.
Other names: c.166G>T, p.Asp56Tyr (NM_001243743.2, NM_001243744.2); short protein forms D56Y.
Identifiers: ClinVar variation 2450939 (VCV002450939.5), dbSNP rs2542844552, ClinGen allele CA374340169.